The following is an entry in ClinVar:

NM_002907.4(RECQL):c.1217-1G>C

Gene: RECQL (RecQ like helicase; minus strand). Cytogenetic location: 12p12.1.
Variant type: single nucleotide variant.
Coding change: c.1217-1G>C on transcript NM_002907.4 (MANE Select); the canonical splice acceptor site of the intron before coding-DNA position 1217, G replaced by C.
Molecular consequence: splice acceptor variant.
Genome position (GRCh38, 1-based): chr12:21,474,980, C>G on the plus strand (G>C on the coding strand, the complement: RECQL is on the minus strand). VCF-style: chr12-21474980-C-G. GRCh37 (hg19) VCF-style: chr12-21627914-C-G.
Other names: c.1217-1G>C (NM_032941.3).
Identifiers: ClinVar variation 1487592 (VCV001487592.6), dbSNP rs758155533, ClinGen allele CA384119028.
Genomic context (GRCh38, chr12:21,474,980, plus strand): 5'-TTCTGAATATATCTCCAAAGCCGTAGTACAAAATACAGTCTGCTTTCATGTCATCTCGAC[C>G]TGTGGTGTGAGAAACCTTGAGATTGCAGAATTACATTTACAAATTCAAAATATGCAAAAA-3'

ClinVar aggregate classification (germline): Uncertain significance (1 of 4 stars; one submission).

Submission:

Labcorp Genetics (formerly Invitae), Labcorp
Classification: Uncertain significance. Last evaluated: 2021-11-08. Review status: criteria provided, single submitter. Criteria: Invitae Variant Classification Sherloc (09022015). Collection method: clinical testing. Allele origin: germline.
Comment: In summary, the available evidence is currently insufficient to determine the role of this variant in disease. Therefore, it has been classified as a Variant of Uncertain Significance. Algorithms developed to predict the effect of sequence changes on RNA splicing suggest that this variant may disrupt the consensus splice site. This variant has not been reported in the literature in individuals affected with RECQL-related conditions. This variant is not present in population databases (gnomAD no frequency). This sequence change affects an acceptor splice site in intron 10 of the RECQL gene. It is expected to disrupt RNA splicing. Variants that disrupt the donor or acceptor splice site typically lead to a loss of protein function (PMID: 16199547), however the current clinical and genetic evidence is not sufficient to establish whether loss-of-function variants in RECQL cause disease.

Literature cited by the submitters: PubMed 16199547.